The following is an entry in ClinVar:

NM_000214.3(JAG1):c.419A>G (p.Asp140Gly)

Gene: JAG1 (jagged canonical Notch ligand 1; minus strand). Cytogenetic location: 20p12.2.
Variant type: single nucleotide variant.
Coding change: c.419A>G on transcript NM_000214.3 (MANE Select); coding-DNA position 419, A replaced by G.
Protein change: p.Asp140Gly; replaces aspartic acid 140 with glycine.
Molecular consequence: missense variant.
Genome position (GRCh38, 1-based): chr20:10,663,983, T>C on the plus strand (A>G on the coding strand, the complement: JAG1 is on the minus strand). VCF-style: chr20-10663983-T-C. GRCh37 (hg19) VCF-style: chr20-10644631-T-C.
Other names: short protein forms D140G.
Identifiers: ClinVar variation 4746338 (VCV004746338.1).

ClinVar aggregate classification (germline): Uncertain significance (1 of 4 stars; one submission).

Conditions:
Alagille syndrome due to a JAG1 point mutation. Also called: HEPATIC DUCTULAR HYPOPLASIA, SYNDROMATIC; Alagille Syndrome 1; JAG1-Related Alagille Syndrome. Identifiers: Orphanet 261619, Orphanet 52, MedGen C1956125, MONDO:0016862, OMIM 118450.

gnomAD v4.1: 2 of 1,613,874 alleles (0.00012%); highest among the groups gnomAD compares: Non-Finnish European, 0.00017%; no homozygotes.

Submission:

Labcorp Genetics (formerly Invitae), Labcorp
Classification: Uncertain significance for Alagille syndrome due to a JAG1 point mutation. Last evaluated: 2025-09-05. Review status: criteria provided, single submitter. Criteria: Invitae Variant Classification Sherloc (09022015). Collection method: clinical testing. Allele origin: germline.
Comment: This sequence change replaces aspartic acid, which is acidic and polar, with glycine, which is neutral and non-polar, at codon 140 of the JAG1 protein (p.Asp140Gly). This variant is not present in population databases (gnomAD no frequency). This variant has not been reported in the literature in individuals affected with JAG1-related conditions. Invitae Evidence Modeling of protein sequence and biophysical properties (such as structural, functional, and spatial information, amino acid conservation, physicochemical variation, residue mobility, and thermodynamic stability) indicates that this missense variant is expected to disrupt JAG1 protein function with a positive predictive value of 80%. In summary, the available evidence is currently insufficient to determine the role of this variant in disease. Therefore, it has been classified as a Variant of Uncertain Significance.